The following is an entry in ClinVar:

ClinVar aggregate classification (germline): Uncertain significance. Review status: criteria provided, multiple submitters, no conflicts (2 of 4 stars). 2 submissions from 2 submitters: Uncertain significance (2). Last evaluated 2021-08-29.

Conditions:
Inborn genetic diseases. Identifiers: MedGen C0950123, MeSH D030342.
Cowden syndrome (CS). Also called: Cowden disease; Cowden's disease; Cowden's syndrome. Identifiers: Orphanet 201, MedGen C0018553, MONDO:0016063. Disease mechanism: gain of function.

gnomAD v4.1: 21 of 1,610,870 alleles (0.0013%); highest among the groups gnomAD compares: Non-Finnish European, 0.0018%; no homozygotes.

Submissions (2):

Ambry Genetics
Classification: Uncertain significance for Inborn genetic diseases. Last evaluated: 2021-08-29. Review status: criteria provided, single submitter. Criteria: Ambry Variant Classification Scheme 2023. Collection method: clinical testing. Allele origin: germline.
Comment: The p.I31L variant (also known as c.91A>C), located in coding exon 1 of the PIK3CA gene, results from an A to C substitution at nucleotide position 91. The isoleucine at codon 31 is replaced by leucine, an amino acid with highly similar properties. This amino acid position is conserved. In addition, this alteration is predicted to be tolerated by in silico analysis. Since supporting evidence is limited at this time, the clinical significance of this alteration remains unclear.

Labcorp Genetics (formerly Invitae), Labcorp
Classification: Uncertain significance for Cowden syndrome. Last evaluated: 2021-04-10. Review status: criteria provided, single submitter. Criteria: Invitae Variant Classification Sherloc (09022015). Collection method: clinical testing. Allele origin: germline.
Comment: This sequence change replaces isoleucine with leucine at codon 31 of the PIK3CA protein (p.Ile31Leu). The isoleucine residue is highly conserved and there is a small physicochemical difference between isoleucine and leucine. In summary, the available evidence is currently insufficient to determine the role of this variant in disease. Therefore, it has been classified as a Variant of Uncertain Significance. Algorithms developed to predict the effect of missense changes on protein structure and function (SIFT, PolyPhen-2, Align-GVGD) all suggest that this variant is likely to be tolerated, but these predictions have not been confirmed by published functional studies and their clinical significance is uncertain. This variant has not been reported in the literature in individuals with PIK3CA-related conditions. This variant is not present in population databases (ExAC no frequency).

NM_006218.4(PIK3CA):c.91A>C (p.Ile31Leu)

Gene: PIK3CA (phosphatidylinositol-4,5-bisphosphate 3-kinase catalytic subunit alpha; plus strand). Cytogenetic location: 3q26.32.
Variant type: single nucleotide variant.
Coding change: c.91A>C on transcript NM_006218.4 (MANE Select); coding-DNA position 91, A replaced by C.
Protein change: p.Ile31Leu; replaces isoleucine 31 with leucine.
Molecular consequence: missense variant.
Genome position (GRCh38, 1-based): chr3:179,198,916, A>C. VCF-style: chr3-179198916-A-C. GRCh37 (hg19) VCF-style: chr3-178916704-A-C.
Other names: short protein forms I31L.
Identifiers: ClinVar variation 860562 (VCV000860562.12), dbSNP rs1724335079, ClinGen allele CA355270972.